The following is an entry in ClinVar:

NM_014855.3(AP5Z1):c.505C>T (p.Gln169Ter)

Gene: AP5Z1 (adaptor related protein complex 5 subunit zeta 1; plus strand). Cytogenetic location: 7p22.1.
Variant type: single nucleotide variant.
Coding change: c.505C>T on transcript NM_014855.3 (MANE Select); coding-DNA position 505, C replaced by T.
Protein change: p.Gln169Ter; replaces glutamine 169 with a stop codon.
Molecular consequence: nonsense. On other transcripts: non-coding transcript variant (1).
Genome position (GRCh38, 1-based): chr7:4,783,454, C>T. VCF-style: chr7-4783454-C-T. GRCh37 (hg19) VCF-style: chr7-4823085-C-T.
Other names: c.37C>T, p.Gln13Ter (NM_001364858.1); short protein forms Q13*, Q169*.
Identifiers: ClinVar variation 2505272 (VCV002505272.1), dbSNP rs1222774799, ClinGen allele CA366659103.
Genomic context (GRCh38, chr7:4,783,454, plus strand): 5'-AGCCTCAGACACCTCCTCCCCGTCATGGCCAAGGTCGTGGTCCTCAGCCCGGGCACCCTC[C>T]AGGAGGGTACGCGGGGCCCCTCCCAAGAGGCTGTTGGGGGTCTGCCTTCCCAGGTCCTTC-3'

ClinVar aggregate classification (germline): Likely pathogenic (1 of 4 stars; one submission).

Conditions:
Hereditary spastic paraplegia 48. Also called: SPASTIC PARAPLEGIA 48, AUTOSOMAL RECESSIVE; Spastic paraplegia 48. Identifiers: Orphanet 306511, MedGen C3150901, MONDO:0013342, OMIM 613647.

Allele frequency attached by ClinVar (database versions not stated): gnomAD 0.00001; TOPMed 0.00001.

Submission:

Greenwood Genetic Center Diagnostic Laboratories, Greenwood Genetic Center
Classification: Likely pathogenic for Hereditary spastic paraplegia 48. Last evaluated: 2023-02-08. Review status: criteria provided, single submitter. Criteria: ACMG Guidelines, 2015. Collection method: clinical testing. Allele origin: germline. Affected: yes.
Comment: PVS1, PM2